The following is an entry in ClinVar:

NM_002692.4(POLE2):c.23G>A (p.Ser8Asn)

Gene: POLE2 (DNA polymerase epsilon 2, accessory subunit; minus strand). Cytogenetic location: 14q21.3.
Variant type: single nucleotide variant.
Coding change: c.23G>A on transcript NM_002692.4 (MANE Select); coding-DNA position 23, G replaced by A.
Protein change: p.Ser8Asn; replaces serine 8 with asparagine.
Molecular consequence: missense variant. On other transcripts: 5 prime UTR variant (1).
Genome position (GRCh38, 1-based): chr14:49,688,181, C>T on the plus strand (G>A on the coding strand, the complement: POLE2 is on the minus strand). VCF-style: chr14-49688181-C-T. GRCh37 (hg19) VCF-style: chr14-50154899-C-T.
Other names: c.23G>A, p.Ser8Asn (NM_001197330.2, NM_001197331.3, NM_001348384.2); c.-213G>A (NM_001348385.2); short protein forms S8N.
Identifiers: ClinVar variation 2726449 (VCV002726449.3), dbSNP rs867459436, ClinGen allele CA389618094.

ClinVar aggregate classification (germline): Uncertain significance (1 of 4 stars; one submission).

Submission:

Labcorp Genetics (formerly Invitae), Labcorp
Classification: Uncertain significance. Last evaluated: 2024-10-17. Review status: criteria provided, single submitter. Criteria: Invitae Variant Classification Sherloc (09022015). Collection method: clinical testing. Allele origin: germline.
Comment: This sequence change replaces serine, which is neutral and polar, with asparagine, which is neutral and polar, at codon 8 of the POLE2 protein (p.Ser8Asn). This variant is not present in population databases (gnomAD no frequency). This variant has not been reported in the literature in individuals affected with POLE2-related conditions. An algorithm developed to predict the effect of missense changes on protein structure and function outputs the following: PolyPhen-2: "Benign". The asparagine amino acid residue is found in multiple mammalian species, which suggests that this missense change does not adversely affect protein function. In summary, the available evidence is currently insufficient to determine the role of this variant in disease. Therefore, it has been classified as a Variant of Uncertain Significance.